The following is an entry in ClinVar:

ClinVar aggregate classification (germline): Pathogenic (1 of 4 stars; one submission).

Conditions:
Tuberous sclerosis 2 (TSC2). Identifiers: Orphanet 805, MedGen C1860707, MONDO:0013199, OMIM 613254.

Submission:

Labcorp Genetics (formerly Invitae), Labcorp
Classification: Pathogenic for Tuberous sclerosis 2. Last evaluated: 2017-01-26. Review status: criteria provided, single submitter. Criteria: Invitae Variant Classification Sherloc (09022015). Collection method: clinical testing. Allele origin: germline.
Comment: This sequence change affects a donor splice site in intron 17 of the TSC2 gene. It is expected to disrupt RNA splicing and likely results in an absent or disrupted protein product. For these reasons, this variant has been classified as Pathogenic. Loss-of-function variants in TSC2 are known to be pathogenic. This particular variant has been reported in individuals affected with tuberous sclerosis complex (TSC), in the literature (PMID: 25782670) and in the Leiden Open-source Variation Database (PMID: 21520333).

Literature cited by the submitters: PubMed 25782670; PubMed 21520333.

NM_000548.5(TSC2):c.1839+2T>C

Gene: TSC2 (TSC complex subunit 2; plus strand). Cytogenetic location: 16p13.3.
Variant type: single nucleotide variant.
Coding change: c.1839+2T>C on transcript NM_000548.5 (MANE Select); the canonical splice donor site of the intron after coding-DNA position 1839, T replaced by C.
Molecular consequence: splice donor variant.
Genome position (GRCh38, 1-based): chr16:2,070,580, T>C. VCF-style: chr16-2070580-T-C. GRCh37 (hg19) VCF-style: chr16-2120581-T-C.
Other names: c.1839+2T>C (NM_001406665.1, NM_001370404.1, NM_001077183.3 and 6 more transcripts); c.495+2T>C (NM_001406694.1, NM_001406695.1, NM_001406696.1 and 6 more transcripts); c.1827+2T>C (NM_001406671.1, NM_001406673.1); c.1377+2T>C (NM_001406681.1); c.1728+2T>C (NM_001406670.1, NM_001318827.2, NM_001406678.1); c.1239+2T>C (NM_001406682.1, NM_001406684.1, NM_001406685.1 and 6 more transcripts); c.1782+2T>C (NM_001406677.1); c.1692+2T>C (NM_001406675.1, NM_001406676.1, NM_001318829.2 and 1 more transcripts); and 3 more.
Identifiers: ClinVar variation 467900 (VCV000467900.9), dbSNP rs1555505211, ClinGen allele CA394273023.
Genomic context (GRCh38, chr16:2,070,580, plus strand): 5'-TTCAGCTCCACTACAAGCACAGCTACACCCTGCCAATCGCGAGCAGCATCCGGCTGCAGG[T>C]ATGGTGGCTGGGGTTGCGCAGCCAGTTCCTGGGGGCCCAGCCAGGTATCCCCGTCTCGGC-3'